The following is an entry in ClinVar:

NM_001009944.3(PKD1):c.1806C>T (p.Pro602=)

Gene: PKD1 (polycystin 1, transient receptor potential channel interacting; minus strand). Cytogenetic location: 16p13.3.
Variant type: single nucleotide variant.
Coding change: c.1806C>T on transcript NM_001009944.3 (MANE Select); coding-DNA position 1806, C replaced by T.
Protein change: p.Pro602=; no amino-acid change (proline 602 retained).
Molecular consequence: synonymous variant.
Genome position (GRCh38, 1-based): chr16:2,116,035, G>A on the plus strand (C>T on the coding strand, the complement: PKD1 is on the minus strand). VCF-style: chr16-2116035-G-A. GRCh37 (hg19) VCF-style: chr16-2166036-G-A.
Other names: c.1806C>T, p.Pro602= (NM_000296.4).
Identifiers: ClinVar variation 3034877 (VCV003034877.2), dbSNP rs1167205694, ClinGen allele CA492975261.

ClinVar aggregate classification (germline): Likely benign (0 of 4 stars; one submission).

Conditions:
PKD1-related disorder. Also called: PKD1-related condition.

Allele frequency attached by ClinVar (database versions not stated): gnomAD 0.00001; TOPMed 0.00002; gnomAD exomes 0.00003.
gnomAD v4.1: 36 of 1,542,274 alleles (0.0023%); highest among the groups gnomAD compares: Non-Finnish European, 0.0029%; no homozygotes.

Submission:

PreventionGenetics, part of Exact Sciences
Classification: Likely benign for PKD1-related condition. Last evaluated: 2019-08-14. Review status: no assertion criteria provided. Collection method: clinical testing. Allele origin: germline.
Comment: This variant is classified as likely benign based on ACMG/AMP sequence variant interpretation guidelines (Richards et al. 2015 PMID: 25741868, with internal and published modifications).